The following is an entry in ClinVar:

ClinVar aggregate classification (germline): Uncertain significance. Review status: criteria provided, multiple submitters, no conflicts (2 of 4 stars). 2 submissions from 2 submitters: Uncertain significance (2). Last evaluated 2024-10-29.

Conditions:
Early Myoclonic Encephalopathy. Identifiers: MedGen C0270855.

Allele frequency attached by ClinVar (database versions not stated): gnomAD 0.00003.
gnomAD v4.1: 8 of 1,609,442 alleles (0.0005%); highest among the groups gnomAD compares: African/African-American, 0.0013%; no homozygotes.

Submissions (2):

Ambry Genetics
Classification: Uncertain significance. Last evaluated: 2024-10-29. Review status: criteria provided, single submitter. Criteria: Ambry Variant Classification Scheme 2023. Collection method: clinical testing. Allele origin: germline.

Labcorp Genetics (formerly Invitae), Labcorp
Classification: Uncertain significance for Early Myoclonic Encephalopathy. Last evaluated: 2024-09-27. Review status: criteria provided, single submitter. Criteria: Invitae Variant Classification Sherloc (09022015). Collection method: clinical testing. Allele origin: germline.
Comment: This sequence change replaces serine, which is neutral and polar, with leucine, which is neutral and non-polar, at codon 25 of the JMJD1C protein (p.Ser25Leu). This variant is present in population databases (no rsID available, gnomAD 0.002%). This variant has not been reported in the literature in individuals affected with JMJD1C-related conditions. ClinVar contains an entry for this variant (Variation ID: 2190514). An algorithm developed to predict the effect of missense changes on protein structure and function (PolyPhen-2) suggests that this variant is likely to be tolerated. In summary, the available evidence is currently insufficient to determine the role of this variant in disease. Therefore, it has been classified as a Variant of Uncertain Significance.

NM_032776.3(JMJD1C):c.74C>T (p.Ser25Leu)

Genes: JMJD1C (jumonji domain containing 1C; minus strand), JMJD1C-AS1 (JMJD1C antisense RNA 1; plus strand). Cytogenetic location: 10q21.3.
Variant type: single nucleotide variant.
Coding change: c.74C>T on transcript NM_032776.3 (MANE Select); coding-DNA position 74, C replaced by T.
Protein change: p.Ser25Leu; replaces serine 25 with leucine.
Molecular consequence: missense variant. On other transcripts: non-coding transcript variant (1), intron variant (2).
Genome position (GRCh38, 1-based): chr10:63,465,589, G>A on the plus strand (C>T on the coding strand, the complement: JMJD1C is on the minus strand). VCF-style: chr10-63465589-G-A. GRCh37 (hg19) VCF-style: chr10-65225349-G-A.
Other names: c.74C>T (NM_032776.1); c.74C>T, p.Ser25Leu (NM_001322252.2); c.-384+56149C>T (NM_001322258.2); c.-379+56149C>T (NM_001318154.2); short protein forms S25L.
Identifiers: ClinVar variation 2190514 (VCV002190514.5), dbSNP rs1480443114, ClinGen allele CA377088327.